The following is an entry in ClinVar:

ClinVar aggregate classification (germline): Uncertain significance (1 of 4 stars; one submission).

Allele frequency attached by ClinVar (database versions not stated): gnomAD 0.00003 and 0.00004; TOPMed 0.00003; ExAC 0.00005; gnomAD exomes 0.00006 and 0.00011.
gnomAD v4.1: 160 of 1,614,034 alleles (0.0099%); highest among the groups gnomAD compares: Non-Finnish European, 0.013%; no homozygotes.

Submissions (2):

Labcorp Genetics (formerly Invitae), Labcorp
Classification: Uncertain significance. Last evaluated: 2023-12-09. Review status: criteria provided, single submitter. Criteria: Invitae Variant Classification Sherloc (09022015). Collection method: clinical testing. Allele origin: germline.
Comment: This sequence change replaces methionine, which is neutral and non-polar, with valine, which is neutral and non-polar, at codon 47 of the EXOSC2 protein (p.Met47Val). This variant is present in population databases (rs776570598, gnomAD 0.01%). This variant has not been reported in the literature in individuals affected with EXOSC2-related conditions. ClinVar contains an entry for this variant (Variation ID: 961269). Advanced modeling of protein sequence and biophysical properties (such as structural, functional, and spatial information, amino acid conservation, physicochemical variation, residue mobility, and thermodynamic stability) performed at Invitae indicates that this missense variant is not expected to disrupt EXOSC2 protein function with a negative predictive value of 80%. In summary, the available evidence is currently insufficient to determine the role of this variant in disease. Therefore, it has been classified as a Variant of Uncertain Significance.

Dr. Peter K. Rogan Lab, Western University
No classification provided (evidence only). Condition: Familial cancer of breast. Review status: no classification provided. Collection method: in vitro. Allele origin: not applicable. Functional consequence: retained intron. Not counted in ClinVar's aggregate classification.

NM_014285.7(EXOSC2):c.139A>G (p.Met47Val)

Gene: EXOSC2 (exosome component 2; plus strand). Cytogenetic location: 9q34.12.
Variant type: single nucleotide variant.
Coding change: c.139A>G on transcript NM_014285.7 (MANE Select); coding-DNA position 139, A replaced by G.
Protein change: p.Met47Val; replaces methionine 47 with valine.
Molecular consequence: missense variant. On other transcripts: non-coding transcript variant (1).
Genome position (GRCh38, 1-based): chr9:130,695,508, A>G. VCF-style: chr9-130695508-A-G. GRCh37 (hg19) VCF-style: chr9-133570895-A-G.
Other names: c.139A>G, p.Met47Val (NM_001282708.1, NM_001282709.1); short protein forms M47V.
Identifiers: ClinVar variation 961269 (VCV000961269.6), dbSNP rs776570598, ClinGen allele CA5284764.